The following is an entry in ClinVar:

ClinVar aggregate classification (germline): Benign/Likely benign. Review status: criteria provided, multiple submitters, no conflicts (2 of 4 stars). 17 submissions from 17 submitters: Benign (6); Likely benign (5). 6 of the submissions do not count toward it. Last evaluated 2026-09-21.

Conditions:
HYPERHOMOCYSTEINEMIA, THROMBOTIC, CBS-RELATED. Identifiers: MedGen C3150344, OMIM 236200.
Classic homocystinuria. Also called: HOMOCYSTINURIA WITH OR WITHOUT RESPONSE TO PYRIDOXINE; Homocystinuria due to CBS deficiency; Cystathionine beta-synthase deficiency; CBS deficiency; Homocystinuria due to Cystathionine Beta-Synthase Deficiency. Identifiers: Orphanet 394, MedGen C0751202, MONDO:0009352, OMIM 236200.

Allele frequency attached by ClinVar (database versions not stated): 1000 Genomes Project 0.00100; TOPMed 0.00374; gnomAD exomes 0.00521 and 0.00606; ESP Exome Variant Server 0.00531; gnomAD 0.00620; ExAC 0.00641.

Submissions (17):

Molecular Diagnostic Laboratory for Inherited Cardiovascular Disease, Montreal Heart Institute
Classification: Likely benign. Last evaluated: 2026-09-21. Review status: criteria provided, single submitter. Criteria: ACMG Guidelines, 2015. Collection method: clinical testing. Allele origin: germline. Affected: no.
Comment: BS1;BP4

CeGaT Center for Human Genetics Tuebingen
Classification: Likely benign. Last evaluated: 2026-09-01. Review status: criteria provided, single submitter. Criteria: CeGaT Center For Human Genetics Tuebingen Variant Classification Criteria Version 2. Collection method: clinical testing. Allele origin: germline. Affected: yes. Observed: 39 variant alleles.
Comment: CBS: BP4

Labcorp Genetics (formerly Invitae), Labcorp
Classification: Benign for HYPERHOMOCYSTEINEMIA, THROMBOTIC, CBS-RELATED. Last evaluated: 2026-02-04. Review status: criteria provided, single submitter. Criteria: Invitae Variant Classification Sherloc (09022015). Collection method: clinical testing. Allele origin: germline.

ARUP Laboratories, Molecular Genetics and Genomics, ARUP Laboratories
Classification: Benign. Last evaluated: 2025-06-12. Review status: criteria provided, single submitter. Criteria: ARUP Molecular Germline Variant Investigation Process 2024. Collection method: clinical testing. Allele origin: germline.

Blueprint Genetics
Classification: Likely benign. Last evaluated: 2024-11-27. Review status: criteria provided, single submitter. Criteria: ACMG Guidelines, 2015. Collection method: clinical testing. Allele origin: germline.

Women's Health and Genetics/Laboratory Corporation of America, LabCorp
Classification: Benign. Last evaluated: 2020-04-20. Review status: criteria provided, single submitter. Criteria: LabCorp Variant Classification Summary - May 2015. Collection method: clinical testing. Allele origin: germline.
Comment: Variant summary: CBS c.1145+7C>T alters a non-conserved nucleotide located close to a canonical splice site and therefore could affect mRNA splicing, leading to a significantly altered protein sequence. 4/4 computational tools predict no significant impact on normal splicing. However, these predictions have yet to be confirmed by functional studies. The variant allele was found at a frequency of 0.0061 in 249694 control chromosomes, predominantly at a frequency of 0.007 within the Non-Finnish European subpopulation in the gnomAD database, including 5 homozygotes. The observed variant frequency within Non-Finnish European control individuals in the gnomAD database is approximately 2 fold of the estimated maximal expected allele frequency for a pathogenic variant in CBS causing Homocystinuria phenotype (0.003), strongly suggesting that the variant is a benign polymorphism found primarily in populations of Non-Finnish European origin. c.1145+7C>T has been reported in the literature (Wesolowska-Andersen_2015). To our knowledge, no experimental evidence demonstrating an impact on protein function has been reported. Three ClinVar submitters (evaluation after 2014) cite the variant as benign/likely benign. Based on the evidence outlined above, the variant was classified as benign.

Illumina Laboratory Services, Illumina
Classification: Likely benign for Classic homocystinuria. Last evaluated: 2018-01-13. Review status: criteria provided, single submitter. Criteria: ICSL Variant Classification Criteria 13 December 2019. Collection method: clinical testing. Allele origin: germline.
Comment: This variant was observed in the ICSL laboratory as part of a predisposition screen in an ostensibly healthy population. It had not been previously curated by ICSL or reported in the Human Gene Mutation Database (HGMD: prior to June 1st, 2018), and was therefore a candidate for classification through an automated scoring system. Utilizing variant allele frequency, disease prevalence and penetrance estimates, and inheritance mode, an automated score was calculated to assess if this variant is too frequent to cause the disease. Based on the score and internal cut-off values, a variant classified as likely benign is not then subjected to further curation. The score for this variant resulted in a classification of likely benign for this disease.

Mayo Clinic Laboratories, Mayo Clinic
Classification: Benign. Last evaluated: 2015-05-27. Review status: criteria provided, single submitter. Criteria: ACMG Guidelines, 2015. Collection method: clinical testing. Allele origin: germline. Observed: 28 variant alleles.

Eurofins Ntd Llc (ga)
Classification: Benign. Last evaluated: 2014-11-20. Review status: criteria provided, single submitter. Criteria: EGL Classification Definitions 2015. Collection method: clinical testing. Allele origin: germline. Observed: 3 variant alleles, 3 heterozygotes.

GeneDx
Classification: Benign. Last evaluated: 2013-03-28. Review status: criteria provided, single submitter. Criteria: GeneDx Variant Classification (06012015). Collection method: clinical testing. Allele origin: germline. Affected: yes.
Comment: This variant is considered likely benign or benign based on one or more of the following criteria: it is a conservative change, it occurs at a poorly conserved position in the protein, it is predicted to be benign by multiple in silico algorithms, and/or has population frequency not consistent with disease.

Breakthrough Genomics
Classification: Likely benign. Review status: criteria provided, single submitter. Criteria: ACMG Guidelines, 2015. Collection method: not provided. Allele origin: germline. Inheritance: Autosomal recessive inheritance. Affected: yes.

Natera, Inc.
Classification: Benign for Homocystinuria due to cystathionine beta-synthase deficiency. Last evaluated: 2020-09-16. Review status: no assertion criteria provided. Collection method: clinical testing. Allele origin: germline. Not counted in ClinVar's aggregate classification.

Clinical Genetics DNA and cytogenetics Diagnostics Lab, Erasmus MC, Erasmus Medical Center
Classification: Likely benign. Review status: no assertion criteria provided. Collection method: clinical testing. Allele origin: germline. Affected: yes. Study: VKGL Data-share Consensus. Not counted in ClinVar's aggregate classification.

Genome Diagnostics Laboratory, Amsterdam University Medical Center
Classification: Benign. Review status: no assertion criteria provided. Collection method: clinical testing. Allele origin: germline. Affected: yes. Study: VKGL Data-share Consensus. Not counted in ClinVar's aggregate classification.

Genome Diagnostics Laboratory, University Medical Center Utrecht
Classification: Benign. Review status: no assertion criteria provided. Collection method: clinical testing. Allele origin: germline. Affected: yes. Study: VKGL Data-share Consensus. Not counted in ClinVar's aggregate classification.

Joint Genome Diagnostic Labs from Nijmegen and Maastricht, Radboudumc and MUMC+
Classification: Likely benign. Review status: no assertion criteria provided. Collection method: clinical testing. Allele origin: germline. Affected: yes. Study: VKGL Data-share Consensus. Not counted in ClinVar's aggregate classification.

Laboratory of Diagnostic Genome Analysis, Leiden University Medical Center (LUMC)
Classification: Likely benign. Review status: no assertion criteria provided. Collection method: clinical testing. Allele origin: germline. Affected: yes. Study: VKGL Data-share Consensus. Not counted in ClinVar's aggregate classification.

Literature cited by the submitters: PubMed 24990611 (cited by Women's Health and Genetics/Laboratory Corporation of America, LabCorp).

NM_000071.3(CBS):c.1145+7C>T

Gene: CBS (cystathionine beta-synthase; minus strand). Cytogenetic location: 21q22.3.
Variant type: single nucleotide variant.
Coding change: c.1145+7C>T on transcript NM_000071.3 (MANE Select); 7 bases into the intron after coding-DNA position 1145, C replaced by T.
Molecular consequence: intron variant.
Genome position (GRCh38, 1-based): chr21:43,060,434, G>A on the plus strand (C>T on the coding strand, the complement: CBS is on the minus strand). VCF-style: chr21-43060434-G-A. GRCh37 (hg19) VCF-style: chr21-44480544-G-A.
Other names: p.?; c.1145+7C>T (NM_001320298.2, NM_001178009.3, NM_001178008.3); c.830+7C>T (NM_001321072.1).
Identifiers: ClinVar variation 136674 (VCV000136674.101), dbSNP rs201158177, ClinGen allele CA302733.